The following is an entry in ClinVar:

ClinVar aggregate classification (germline): Conflicting classifications of pathogenicity. Review status: criteria provided, conflicting classifications (1 of 4 stars). 3 submissions from 3 submitters: Uncertain significance (1); Likely benign (1). 1 of the submissions does not count toward it. Last evaluated 2025-07-14.

Conditions:
Hereditary cancer-predisposing syndrome. Also called: Hereditary neoplastic syndrome; Neoplastic Syndromes, Hereditary; Tumor predisposition; Hereditary Cancer Syndrome. Identifiers: Orphanet 140162, MedGen C0027672, MeSH D009386, MONDO:0015356.
Familial cancer of breast. Also called: BREAST CANCER, FAMILIAL; Hereditary breast cancer; hereditary breast carcinoma. Identifiers: Orphanet 227535, MedGen C0346153, MONDO:0016419, OMIM 114480. Disease mechanism: loss of function.

Submissions (3):

Labcorp Genetics (formerly Invitae), Labcorp
Classification: Uncertain significance for Familial cancer of breast. Last evaluated: 2025-07-14. Review status: criteria provided, single submitter. Criteria: Invitae Variant Classification Sherloc (09022015). Collection method: clinical testing. Allele origin: germline.
Comment: This sequence change replaces glycine, which is neutral and non-polar, with arginine, which is basic and polar, at codon 471 of the PALB2 protein (p.Gly471Arg). This variant is not present in population databases (gnomAD no frequency). This variant has not been reported in the literature in individuals affected with PALB2-related conditions. ClinVar contains an entry for this variant (Variation ID: 830138). Invitae Evidence Modeling of protein sequence and biophysical properties (such as structural, functional, and spatial information, amino acid conservation, physicochemical variation, residue mobility, and thermodynamic stability) indicates that this missense variant is not expected to disrupt PALB2 protein function with a negative predictive value of 80%. In summary, the available evidence is currently insufficient to determine the role of this variant in disease. Therefore, it has been classified as a Variant of Uncertain Significance.

Ambry Genetics
Classification: Likely benign for Hereditary cancer-predisposing syndrome. Last evaluated: 2024-06-13. Review status: criteria provided, single submitter. Criteria: Ambry Variant Classification Scheme 2023. Collection method: clinical testing. Allele origin: germline.

Leiden Open Variation Database
Classification: Uncertain significance. Last evaluated: 2018-08-25. Review status: no assertion criteria provided. Collection method: curation. Allele origin: germline. Affected: yes. Not counted in ClinVar's aggregate classification.
Comment: Curators: Marc Tischkowitz, Arleen D. Auerbach. Submitter to LOVD: Yukihide Momozawa.

Literature cited by the submitters: PubMed 30287823 (cited by Leiden Open Variation Database).

NM_024675.4(PALB2):c.1411G>C (p.Gly471Arg)

Gene: PALB2 (partner and localizer of BRCA2; minus strand). Cytogenetic location: 16p12.2.
Variant type: single nucleotide variant.
Coding change: c.1411G>C on transcript NM_024675.4 (MANE Select); coding-DNA position 1411, G replaced by C.
Protein change: p.Gly471Arg; replaces glycine 471 with arginine.
Molecular consequence: missense variant.
Genome position (GRCh38, 1-based): chr16:23,635,135, C>G on the plus strand (G>C on the coding strand, the complement: PALB2 is on the minus strand). VCF-style: chr16-23635135-C-G. GRCh37 (hg19) VCF-style: chr16-23646456-C-G.
Other names: short protein forms G471R.
Identifiers: ClinVar variation 830138 (VCV000830138.5), dbSNP rs1966970790, ClinGen allele CA395131328.